The following is an entry in ClinVar:

NM_003640.5(ELP1):c.2803A>G (p.Thr935Ala)

Gene: ELP1 (elongator acetyltransferase complex subunit 1; minus strand). Cytogenetic location: 9q31.3.
Variant type: single nucleotide variant.
Coding change: c.2803A>G on transcript NM_003640.5 (MANE Select); coding-DNA position 2803, A replaced by G.
Protein change: p.Thr935Ala; replaces threonine 935 with alanine.
Molecular consequence: missense variant.
Genome position (GRCh38, 1-based): chr9:108,894,000, T>C on the plus strand (A>G on the coding strand, the complement: ELP1 is on the minus strand). VCF-style: chr9-108894000-T-C. GRCh37 (hg19) VCF-style: chr9-111656280-T-C.
Other names: c.2461A>G, p.Thr821Ala (NM_001318360.2); c.1756A>G, p.Thr586Ala (NM_001330749.2); short protein forms T821A, T935A, T586A.
Identifiers: ClinVar variation 1390233 (VCV001390233.5), dbSNP rs145484092, ClinGen allele CA5174533.
Genomic context (GRCh38, chr9:108,894,000, plus strand): 5'-TACCACATTTGCTGAGGTGGCCAATGGCTTTTTCATATCGTTTCAAGTATTTGTCTATAG[T>C]AAACCGCTGATAATTAGTTTCCATTTTCTTAAGTGTATTAAGAAATGGAAGATATTCTTT-3'
Protein context (NP_003631.2, residues 925-945): KKMETNYQRF[Thr935Ala]IDKYLKRYEK

ClinVar aggregate classification (germline): Uncertain significance (1 of 4 stars; one submission).

gnomAD v4.1: 20 of 1,605,352 alleles (0.0012%); highest among the groups gnomAD compares: Admixed American, 0.0017%; no homozygotes.

Submission:

Labcorp Genetics (formerly Invitae), Labcorp
Classification: Uncertain significance. Last evaluated: 2024-06-04. Review status: criteria provided, single submitter. Criteria: Invitae Variant Classification Sherloc (09022015). Collection method: clinical testing. Allele origin: germline.
Comment: This sequence change replaces threonine, which is neutral and polar, with alanine, which is neutral and non-polar, at codon 935 of the ELP1 protein (p.Thr935Ala). This variant is present in population databases (rs145484092, gnomAD 0.0009%). This variant has not been reported in the literature in individuals affected with ELP1-related conditions. ClinVar contains an entry for this variant (Variation ID: 1390233). Advanced modeling of protein sequence and biophysical properties (such as structural, functional, and spatial information, amino acid conservation, physicochemical variation, residue mobility, and thermodynamic stability) performed at Invitae indicates that this missense variant is not expected to disrupt ELP1 protein function with a negative predictive value of 80%. In summary, the available evidence is currently insufficient to determine the role of this variant in disease. Therefore, it has been classified as a Variant of Uncertain Significance.